The following is an entry in ClinVar:

NM_000245.4(MET):c.3079C>T (p.Pro1027Ser)

Gene: MET (MET proto-oncogene, receptor tyrosine kinase; plus strand). Cytogenetic location: 7q31.2.
Variant type: single nucleotide variant.
Coding change: c.3079C>T on transcript NM_000245.4 (MANE Select); coding-DNA position 3079, C replaced by T.
Protein change: p.Pro1027Ser; replaces proline 1027 with serine.
Molecular consequence: missense variant.
Genome position (GRCh38, 1-based): chr7:116,774,931, C>T. VCF-style: chr7-116774931-C-T. GRCh37 (hg19) VCF-style: chr7-116414985-C-T.
Other names: c.3133C>T, p.Pro1045Ser (NM_001127500.3); c.1789C>T, p.Pro597Ser (NM_001324402.2); short protein forms P1027S, P597S, P1045S.
Identifiers: ClinVar variation 4647872 (VCV004647872.1).

ClinVar aggregate classification (germline): Uncertain significance (1 of 4 stars; one submission).

Conditions:
Hereditary cancer-predisposing syndrome. Also called: Neoplastic Syndromes, Hereditary; Tumor predisposition; Hereditary Cancer Syndrome; Hereditary neoplastic syndrome. Identifiers: Orphanet 140162, MedGen C0027672, MeSH D009386, MONDO:0015356.

Submission:

Ambry Genetics
Classification: Uncertain significance for Hereditary cancer-predisposing syndrome. Last evaluated: 2025-10-27. Review status: criteria provided, single submitter. Criteria: Ambry Variant Classification Scheme 2023. Collection method: clinical testing. Allele origin: germline.
Comment: The p.P1045S variant (also known as c.3133C>T), located in coding exon 14 of the MET gene, results from a C to T substitution at nucleotide position 3133. The proline at codon 1045 is replaced by serine, an amino acid with similar properties. This amino acid position is well conserved in available vertebrate species. In addition, the in silico prediction for this alteration is inconclusive. Based on the available evidence, the clinical significance of this variant remains unclear.